The following is an entry in ClinVar:

NM_002055.5(GFAP):c.103A>T (p.Thr35Ser)

Gene: GFAP (glial fibrillary acidic protein; minus strand). Cytogenetic location: 17q21.31.
Variant type: single nucleotide variant.
Coding change: c.103A>T on transcript NM_002055.5 (MANE Select); coding-DNA position 103, A replaced by T.
Protein change: p.Thr35Ser; replaces threonine 35 with serine.
Molecular consequence: missense variant.
Genome position (GRCh38, 1-based): chr17:44,915,384, T>A on the plus strand (A>T on the coding strand, the complement: GFAP is on the minus strand). VCF-style: chr17-44915384-T-A. GRCh37 (hg19) VCF-style: chr17-42992752-T-A.
Other names: NM_002055.5(GFAP):c.103A>T; p.Thr35Ser; c.103A>T, p.Thr35Ser (NM_001131019.3, NM_001242376.3, NM_001363846.2); short protein forms T35S.
Identifiers: ClinVar variation 1896013 (VCV001896013.6), dbSNP rs754484687, ClinGen allele CA8609106.
Genomic context (GRCh38, chr17:44,915,384, plus strand): 5'-CCAGGGAGAAATCCACCCGGGTCGGGAGTGGAGGGGGCATTCGAGCCAGGGAGAGGCGGG[T>A]GCCAGGACCCAGACGGCGGCCAGGAGCCAGGCCCCCCACCATCATCTCCCCTGAGGAGAC-3'
Protein context (NP_002046.1, residues 25-45): LAPGRRLGPG[Thr35Ser]RLSLARMPPP

ClinVar aggregate classification (germline): Likely benign. Review status: reviewed by expert panel (3 of 4 stars). 2 submissions from 2 submitters: Likely benign (1). 1 of the submissions does not count toward it. Last evaluated 2026-10-19.

Conditions:
Alexander disease (ALXDRD). Also called: Alexander's disease. Identifiers: Orphanet 58, MedGen C0270726, MONDO:0008752, OMIM 203450.

gnomAD v4.1: 8 of 1,599,152 alleles (0.0005%); highest among the groups gnomAD compares: South Asian, 0.0089%; 1 homozygote.

Submissions (2):

ClinGen Leukodystrophy and Leukoencephalopathy Variant Curation Expert Panel, ClinGen
Classification: Likely benign for Alexander disease. Last evaluated: 2026-10-19. Review status: reviewed by expert panel. Criteria: ClinGen Leuko ACMG Specifications GFAP V1.0. Collection method: curation. Allele origin: germline. Inheritance: Autosomal dominant inheritance.
Comment: The c.103A>T variant in GFAP is a missense variant predicted to cause substitution of threonine by serine at amino acid 35 (p.Thr35Ser). The Total GrpMax filtering allele frequency in gnomAD v4.1.1 is 0.00004438 from the South Asian genetic ancestry group (the lower threshold of the 95% CI of 8/89428 alleles), which is higher than the ClinGen Leukodystrophy and Leukoencephalopathy VCEP threshold (>0.00001) for BS1, and therefore meets this criterion (BS1). In summary, this variant meets the criteria to be classified as likely benign for Alexander disease based on the ACMG/AMP criteria applied, as specified by the ClinGen Leukodystrophy and Leukoencephalopathy Expert Panel: BS1 (ClinGen Leukodystrophy and Leukoencephalopathy VCEP Specifications Version 1.0.0).

Labcorp Genetics (formerly Invitae), Labcorp
Classification: Uncertain significance. Last evaluated: 2022-01-21. Review status: criteria provided, single submitter. Criteria: Invitae Variant Classification Sherloc (09022015). Collection method: clinical testing. Allele origin: germline. Not counted in ClinVar's aggregate classification.
Comment: This sequence change replaces threonine, which is neutral and polar, with serine, which is neutral and polar, at codon 35 of the GFAP protein (p.Thr35Ser). This variant is present in population databases (rs754484687, gnomAD 0.003%). This variant has not been reported in the literature in individuals affected with GFAP-related conditions. Algorithms developed to predict the effect of missense changes on protein structure and function output the following: SIFT: "Tolerated"; PolyPhen-2: "Benign"; Align-GVGD: "Class C0". The serine amino acid residue is found in multiple mammalian species, which suggests that this missense change does not adversely affect protein function. In summary, the available evidence is currently insufficient to determine the role of this variant in disease. Therefore, it has been classified as a Variant of Uncertain Significance.